The following is an entry in ClinVar:

ClinVar aggregate classification (germline): Benign/Likely benign. Review status: criteria provided, multiple submitters, no conflicts (2 of 4 stars). 3 submissions from 3 submitters: Benign (2); Likely benign (1). Last evaluated 2022-12-01.

Allele frequency attached by ClinVar (database versions not stated): 1000 Genomes Project 30x 0.00125; 1000 Genomes Project 0.00140; TOPMed 0.00382; ExAC 0.00398; gnomAD 0.00400 and 0.00411; ESP Exome Variant Server 0.00484.
gnomAD v4.1: 9,888 of 1,614,060 alleles (0.61%); highest among the groups gnomAD compares: Non-Finnish European, 0.78%; 56 homozygotes.

Submissions (6):

CeGaT Center for Human Genetics Tuebingen
Classification: Likely benign. Last evaluated: 2022-12-01. Review status: criteria provided, single submitter. Criteria: CeGaT Center For Human Genetics Tuebingen Variant Classification Criteria Version 2. Collection method: clinical testing. Allele origin: germline. Affected: yes. Observed: 1 variant allele.
Comment: IGF2BP1: BP4, BP7, BS2

Labcorp Genetics (formerly Invitae), Labcorp
Classification: Benign. Last evaluated: 2018-03-05. Review status: criteria provided, single submitter. Criteria: Invitae Variant Classification Sherloc (09022015). Collection method: clinical testing. Allele origin: germline.

Breakthrough Genomics
Classification: Benign. Review status: criteria provided, single submitter. Criteria: ACMG Guidelines, 2015. Collection method: not provided. Allele origin: germline. Inheritance: Unknown mechanism. Affected: yes.

Dr. Peter K. Rogan Lab, Western University
No classification provided (evidence only). Condition: Lung cancer. Review status: no classification provided. Collection method: in vitro. Allele origin: not applicable. Functional consequence: retained intron. Not counted in ClinVar's aggregate classification.

Dr. Peter K. Rogan Lab, Western University
No classification provided (evidence only). Condition: Cervical cancer. Review status: no classification provided. Collection method: in vitro. Allele origin: not applicable. Functional consequence: retained intron. Not counted in ClinVar's aggregate classification.

Dr. Peter K. Rogan Lab, Western University
No classification provided (evidence only). Condition: Malignant lymphoma, large B-cell, diffuse. Review status: no classification provided. Collection method: in vitro. Allele origin: not applicable. Functional consequence: retained intron. Not counted in ClinVar's aggregate classification.

NM_006546.4(IGF2BP1):c.318A>G (p.Thr106=)

Gene: IGF2BP1 (insulin like growth factor 2 mRNA binding protein 1; plus strand). Cytogenetic location: 17q21.32.
Variant type: single nucleotide variant.
Coding change: c.318A>G on transcript NM_006546.4 (MANE Select); coding-DNA position 318, A replaced by G.
Protein change: p.Thr106=; no amino-acid change (threonine 106 retained).
Molecular consequence: synonymous variant.
Genome position (GRCh38, 1-based): chr17:49,026,498, A>G. VCF-style: chr17-49026498-A-G. GRCh37 (hg19) VCF-style: chr17-47103860-A-G.
Other names: NC_000017.10:g.47103860A>G; c.318A>G, p.Thr106= (NM_001160423.2).
Identifiers: ClinVar variation 726908 (VCV000726908.29), dbSNP rs141422475, ClinGen allele CA8636196.